The following is an entry in ClinVar:

NM_024301.5(FKRP):c.157G>A (p.Val53Met)

Gene: FKRP (fukutin related protein; plus strand). Cytogenetic location: 19q13.32.
Variant type: single nucleotide variant.
Coding change: c.157G>A on transcript NM_024301.5 (MANE Select); coding-DNA position 157, G replaced by A.
Protein change: p.Val53Met; replaces valine 53 with methionine.
Molecular consequence: missense variant.
Genome position (GRCh38, 1-based): chr19:46,755,607, G>A. VCF-style: chr19-46755607-G-A. GRCh37 (hg19) VCF-style: chr19-47258864-G-A.
Other names: c.157G>A, p.Val53Met (NM_001039885.3); short protein forms V53M.
Identifiers: ClinVar variation 2069148 (VCV002069148.4), dbSNP rs2513985560, ClinGen allele CA406494772.

ClinVar aggregate classification (germline): Uncertain significance (1 of 4 stars; one submission).

Conditions:
Walker-Warburg congenital muscular dystrophy. Also called: Muscular dystrophy-dystroglycanopathy, type A; Walker-Warburg syndrome. Identifiers: Orphanet 899, MedGen C0265221, MONDO:0000171.

Submission:

Labcorp Genetics (formerly Invitae), Labcorp
Classification: Uncertain significance for Walker-Warburg congenital muscular dystrophy. Last evaluated: 2022-06-15. Review status: criteria provided, single submitter. Criteria: Invitae Variant Classification Sherloc (09022015). Collection method: clinical testing. Allele origin: germline.
Comment: In summary, the available evidence is currently insufficient to determine the role of this variant in disease. Therefore, it has been classified as a Variant of Uncertain Significance. Algorithms developed to predict the effect of missense changes on protein structure and function (SIFT, PolyPhen-2, Align-GVGD) all suggest that this variant is likely to be tolerated. This missense change has been observed in individual(s) with alpha-dystroglycanopathy (PMID: 34509255). This variant is not present in population databases (gnomAD no frequency). This sequence change replaces valine, which is neutral and non-polar, with methionine, which is neutral and non-polar, at codon 53 of the FKRP protein (p.Val53Met).

Literature cited by the submitters: PubMed 34509255.